The following is an entry in ClinVar:

ClinVar aggregate classification (germline): Uncertain significance. Review status: criteria provided, multiple submitters, no conflicts (2 of 4 stars). 3 submissions from 3 submitters: Uncertain significance (3). Last evaluated 2024-12-02.

Conditions:
Inborn genetic diseases. Identifiers: MedGen C0950123, MeSH D030342.

Allele frequency attached by ClinVar (database versions not stated): TOPMed below 0.00001; gnomAD exomes 0.00001 and 0.00004; ExAC 0.00005.

Submissions (3):

Labcorp Genetics (formerly Invitae), Labcorp
Classification: Uncertain significance. Last evaluated: 2024-12-02. Review status: criteria provided, single submitter. Criteria: Invitae Variant Classification Sherloc (09022015). Collection method: clinical testing. Allele origin: germline.
Comment: This sequence change replaces glycine, which is neutral and non-polar, with serine, which is neutral and polar, at codon 590 of the TARS2 protein (p.Gly590Ser). This variant is present in population databases (rs759043987, gnomAD 0.01%). This variant has not been reported in the literature in individuals affected with TARS2-related conditions. ClinVar contains an entry for this variant (Variation ID: 1449004). Invitae Evidence Modeling of protein sequence and biophysical properties (such as structural, functional, and spatial information, amino acid conservation, physicochemical variation, residue mobility, and thermodynamic stability) has been performed for this missense variant. However, the output from this modeling did not meet the statistical confidence thresholds required to predict the impact of this variant on TARS2 protein function. In summary, the available evidence is currently insufficient to determine the role of this variant in disease. Therefore, it has been classified as a Variant of Uncertain Significance.

Ambry Genetics
Classification: Uncertain significance for Inborn genetic diseases. Last evaluated: 2024-05-14. Review status: criteria provided, single submitter. Criteria: Ambry Variant Classification Scheme 2023. Collection method: clinical testing. Allele origin: germline.

GeneDx
Classification: Uncertain significance. Last evaluated: 2023-04-14. Review status: criteria provided, single submitter. Criteria: GeneDx Variant Classification Process June 2021. Collection method: clinical testing. Allele origin: germline. Affected: yes.
Comment: In silico analysis supports that this missense variant has a deleterious effect on protein structure/function; Has not been previously published as pathogenic or benign to our knowledge

NM_025150.5(TARS2):c.1768G>A (p.Gly590Ser)

Gene: TARS2 (threonyl-tRNA synthetase 2, mitochondrial; plus strand). Cytogenetic location: 1q21.2.
Variant type: single nucleotide variant.
Coding change: c.1768G>A on transcript NM_025150.5 (MANE Select); coding-DNA position 1768, G replaced by A.
Protein change: p.Gly590Ser; replaces glycine 590 with serine.
Molecular consequence: missense variant. On other transcripts: non-coding transcript variant (2).
Genome position (GRCh38, 1-based): chr1:150,504,681, G>A. VCF-style: chr1-150504681-G-A. GRCh37 (hg19) VCF-style: chr1-150477157-G-A.
Other names: c.1522G>A, p.Gly508Ser (NM_001271895.2); c.1378G>A, p.Gly460Ser (NM_001271896.2); c.1768G>A (NM_025150.4, NM_025150.3); short protein forms G508S, G460S, G590S.
Identifiers: ClinVar variation 1449004 (VCV001449004.9), dbSNP rs759043987, ClinGen allele CA1077147.